The following is an entry in ClinVar:

ClinVar aggregate classification (germline): Uncertain significance. Review status: criteria provided, multiple submitters, no conflicts (2 of 4 stars). 2 submissions from 2 submitters: Uncertain significance (2). Last evaluated 2025-06-10.

Conditions:
Inborn genetic diseases. Identifiers: MedGen C0950123, MeSH D030342.

Allele frequency attached by ClinVar (database versions not stated): TOPMed 0.00003; gnomAD 0.00006; gnomAD exomes 0.00008; ExAC 0.00011; 1000 Genomes Project 0.00040; 1000 Genomes Project 30x 0.00047.
gnomAD v4.1: 119 of 1,614,170 alleles (0.0074%); highest among the groups gnomAD compares: South Asian, 0.1%; no homozygotes.

Submissions (2):

Ambry Genetics
Classification: Uncertain significance for Inborn genetic diseases. Last evaluated: 2025-06-10. Review status: criteria provided, single submitter. Criteria: Ambry Variant Classification Scheme 2023. Collection method: clinical testing. Allele origin: germline.

Labcorp Genetics (formerly Invitae), Labcorp
Classification: Uncertain significance. Last evaluated: 2022-04-08. Review status: criteria provided, single submitter. Criteria: Invitae Variant Classification Sherloc (09022015). Collection method: clinical testing. Allele origin: germline.
Comment: In summary, the available evidence is currently insufficient to determine the role of this variant in disease. Therefore, it has been classified as a Variant of Uncertain Significance. Algorithms developed to predict the effect of missense changes on protein structure and function output the following: SIFT: "Deleterious"; PolyPhen-2: "Benign"; Align-GVGD: "Class C0". The methionine amino acid residue is found in multiple mammalian species, which suggests that this missense change does not adversely affect protein function. This variant has not been reported in the literature in individuals affected with CLDN14-related conditions. This variant is present in population databases (rs564851292, gnomAD 0.1%). This sequence change replaces threonine, which is neutral and polar, with methionine, which is neutral and non-polar, at codon 202 of the CLDN14 protein (p.Thr202Met).

NM_001146079.2(CLDN14):c.605C>T (p.Thr202Met)

Genes: CLDN14 (claudin 14; minus strand), CLDN14-AS1 (CLDN14 antisense RNA 1; plus strand). Cytogenetic location: 21q22.13.
Variant type: single nucleotide variant.
Coding change: c.605C>T on transcript NM_001146079.2 (MANE Select); coding-DNA position 605, C replaced by T.
Protein change: p.Thr202Met; replaces threonine 202 with methionine.
Molecular consequence: missense variant.
Genome position (GRCh38, 1-based): chr21:36,461,091, G>A on the plus strand (C>T on the coding strand, the complement: CLDN14 is on the minus strand). VCF-style: chr21-36461091-G-A. GRCh37 (hg19) VCF-style: chr21-37833389-G-A.
Other names: c.605C>T, p.Thr202Met (NM_001146077.2, NM_001146078.3, NM_012130.4 and 1 more transcripts); c.605C>T (NM_144492.2); short protein forms T202M.
Identifiers: ClinVar variation 1896199 (VCV001896199.6), dbSNP rs564851292, ClinGen allele CA10019219.